The following is an entry in ClinVar:

NM_005188.4(CBL):c.1924A>T (p.Ser642Cys)

Gene: CBL (Cbl proto-oncogene; plus strand). Cytogenetic location: 11q23.3.
Variant type: single nucleotide variant.
Coding change: c.1924A>T on transcript NM_005188.4 (MANE Select); coding-DNA position 1924, A replaced by T.
Protein change: p.Ser642Cys; replaces serine 642 with cysteine.
Molecular consequence: missense variant.
Genome position (GRCh38, 1-based): chr11:119,285,549, A>T. VCF-style: chr11-119285549-A-T. GRCh37 (hg19) VCF-style: chr11-119156259-A-T.
Other names: short protein forms S642C.
Identifiers: ClinVar variation 3366356 (VCV003366356.3).

ClinVar aggregate classification (germline): Uncertain significance. Review status: criteria provided, multiple submitters, no conflicts (2 of 4 stars). 2 submissions from 2 submitters: Uncertain significance (2). Last evaluated 2024-08-09.

Conditions:
RASopathy. Also called: rasopathies; Noonan spectrum disorder. Identifiers: Orphanet 536391, MedGen C5555857, MONDO:0021060.

Submissions (2):

Women's Health and Genetics/Laboratory Corporation of America, LabCorp
Classification: Uncertain significance. Last evaluated: 2024-08-09. Review status: criteria provided, single submitter. Criteria: LabCorp Variant Classification Summary - May 2015. Collection method: clinical testing. Allele origin: germline.
Comment: Variant summary: CBL c.1924A>T (p.Ser642Cys) results in a non-conservative amino acid change in the encoded protein sequence. Three of five in-silico tools predict a damaging effect of the variant on protein function. The variant was absent in 251098 control chromosomes. The available data on variant occurrences in the general population are insufficient to allow any conclusion about variant significance. To our knowledge, no occurrence of c.1924A>T in individuals affected with Noonan Syndrome And Related Conditions and no experimental evidence demonstrating its impact on protein function have been reported. No submitters have cited clinical-significance assessments for this variant to ClinVar. Based on the evidence outlined above, the variant was classified as uncertain significance.

Labcorp Genetics (formerly Invitae), Labcorp
Classification: Uncertain significance for RASopathy. Last evaluated: 2024-02-08. Review status: criteria provided, single submitter. Criteria: Invitae Variant Classification Sherloc (09022015). Collection method: clinical testing. Allele origin: germline.
Comment: This sequence change replaces serine, which is neutral and polar, with cysteine, which is neutral and slightly polar, at codon 642 of the CBL protein (p.Ser642Cys). This variant is not present in population databases (gnomAD no frequency). This variant has not been reported in the literature in individuals affected with CBL-related conditions. Advanced modeling of protein sequence and biophysical properties (such as structural, functional, and spatial information, amino acid conservation, physicochemical variation, residue mobility, and thermodynamic stability) performed at Invitae indicates that this missense variant is not expected to disrupt CBL protein function with a negative predictive value of 95%. In summary, the available evidence is currently insufficient to determine the role of this variant in disease. Therefore, it has been classified as a Variant of Uncertain Significance.